The following is an entry in ClinVar:

NM_001905.4(CTPS1):c.821T>C (p.Ile274Thr)

Gene: CTPS1 (CTP synthase 1; plus strand). Cytogenetic location: 1p34.2.
Variant type: single nucleotide variant.
Coding change: c.821T>C on transcript NM_001905.4 (MANE Select); coding-DNA position 821, T replaced by C.
Protein change: p.Ile274Thr; replaces isoleucine 274 with threonine.
Molecular consequence: missense variant. On other transcripts: non-coding transcript variant (1).
Genome position (GRCh38, 1-based): chr1:40,996,017, T>C. VCF-style: chr1-40996017-T-C. GRCh37 (hg19) VCF-style: chr1-41461689-T-C.
Other names: c.353T>C, p.Ile118Thr (NM_001301237.2); short protein forms I118T, I274T.
Identifiers: ClinVar variation 1920651 (VCV001920651.4), dbSNP rs756293454, ClinGen allele CA795344.

ClinVar aggregate classification (germline): Uncertain significance (1 of 4 stars; one submission).

Conditions:
Combined immunodeficiency due to CTPS1 deficiency. Also called: Immunodeficiency 24; Severe combined immunodeficiency due to CTPS1 deficiency. Identifiers: Orphanet 420573, MedGen C4014617, MONDO:0014391, OMIM 615897.

Allele frequency attached by ClinVar (database versions not stated): ExAC 0.00001.
gnomAD v4.1: 3 of 1,614,180 alleles (0.00019%); highest among the groups gnomAD compares: Non-Finnish European, 0.00025%; no homozygotes.

Submission:

Labcorp Genetics (formerly Invitae), Labcorp
Classification: Uncertain significance for Combined immunodeficiency due to CTPS1 deficiency. Last evaluated: 2022-07-23. Review status: criteria provided, single submitter. Criteria: Invitae Variant Classification Sherloc (09022015). Collection method: clinical testing. Allele origin: germline.
Comment: In summary, the available evidence is currently insufficient to determine the role of this variant in disease. Therefore, it has been classified as a Variant of Uncertain Significance. Algorithms developed to predict the effect of missense changes on protein structure and function are either unavailable or do not agree on the potential impact of this missense change (SIFT: "Deleterious"; PolyPhen-2: "Benign"; Align-GVGD: "Class C25"). This variant has not been reported in the literature in individuals affected with CTPS1-related conditions. This variant is present in population databases (rs756293454, gnomAD 0.002%). This sequence change replaces isoleucine, which is neutral and non-polar, with threonine, which is neutral and polar, at codon 274 of the CTPS1 protein (p.Ile274Thr).